The following is an entry in ClinVar:

ClinVar aggregate classification (germline): Uncertain significance. Review status: criteria provided, multiple submitters, no conflicts (2 of 4 stars). 4 submissions from 4 submitters: Uncertain significance (3). 1 of the submissions does not count toward it. Last evaluated 2025-10-29.

Conditions:
Retinal dystrophy. Also called: Inherited retinal dystrophy. Identifiers: Orphanet 71862, MedGen C0854723, MeSH D058499, MONDO:0019118, HP:0000556.
Inborn genetic diseases. Identifiers: MedGen C0950123, MeSH D030342.

Allele frequency attached by ClinVar (database versions not stated): TOPMed 0.00003; gnomAD 0.00004; gnomAD exomes 0.00004; ExAC 0.00010.

Submissions (4):

Labcorp Genetics (formerly Invitae), Labcorp
Classification: Uncertain significance. Last evaluated: 2025-10-29. Review status: criteria provided, single submitter. Criteria: Invitae Variant Classification Sherloc (09022015). Collection method: clinical testing. Allele origin: germline.
Comment: This sequence change replaces arginine, which is basic and polar, with histidine, which is basic and polar, at codon 62 of the CAPN5 protein (p.Arg62His). This variant is present in population databases (rs199504989, gnomAD 0.01%). This variant has not been reported in the literature in individuals affected with CAPN5-related conditions. ClinVar contains an entry for this variant (Variation ID: 971258). Invitae Evidence Modeling of protein sequence and biophysical properties (such as structural, functional, and spatial information, amino acid conservation, physicochemical variation, residue mobility, and thermodynamic stability) indicates that this missense variant is not expected to disrupt CAPN5 protein function with a negative predictive value of 80%. In summary, the available evidence is currently insufficient to determine the role of this variant in disease. Therefore, it has been classified as a Variant of Uncertain Significance.

Blueprint Genetics
Classification: Uncertain significance. Last evaluated: 2024-08-06. Review status: criteria provided, single submitter. Criteria: ACMG Guidelines, 2015. Collection method: clinical testing. Allele origin: germline.

Ambry Genetics
Classification: Uncertain significance for Inborn genetic diseases. Last evaluated: 2024-03-12. Review status: criteria provided, single submitter. Criteria: Ambry Variant Classification Scheme 2023. Collection method: clinical testing. Allele origin: germline.

Institute of Human Genetics, Univ. Regensburg, Univ. Regensburg
Classification: Uncertain significance for Retinal dystrophy. Last evaluated: 2022-01-01. Review status: no assertion criteria provided. Criteria: ACMG Guidelines, 2015. Collection method: clinical testing. Allele origin: germline. Affected: yes. Not counted in ClinVar's aggregate classification.

NM_004055.5(CAPN5):c.185G>A (p.Arg62His)

Gene: CAPN5 (calpain 5; plus strand). Cytogenetic location: 11q13.5.
Variant type: single nucleotide variant.
Coding change: c.185G>A on transcript NM_004055.5 (MANE Select); coding-DNA position 185, G replaced by A.
Protein change: p.Arg62His; replaces arginine 62 with histidine.
Molecular consequence: missense variant.
Genome position (GRCh38, 1-based): chr11:77,093,701, G>A. VCF-style: chr11-77093701-G-A. GRCh37 (hg19) VCF-style: chr11-76804747-G-A.
Other names: short protein forms R62H.
Identifiers: ClinVar variation 971258 (VCV000971258.13), dbSNP rs199504989, ClinGen allele CA6196192.